The following is an entry in ClinVar:

NM_002778.4(PSAP):c.1519G>C (p.Glu507Gln)

Gene: PSAP (prosaposin; minus strand). Cytogenetic location: 10q22.1.
Variant type: single nucleotide variant.
Coding change: c.1519G>C on transcript NM_002778.4 (MANE Select); coding-DNA position 1519, G replaced by C.
Protein change: p.Glu507Gln; replaces glutamic acid 507 with glutamine.
Molecular consequence: missense variant.
Genome position (GRCh38, 1-based): chr10:71,818,637, C>G on the plus strand (G>C on the coding strand, the complement: PSAP is on the minus strand). VCF-style: chr10-71818637-C-G. GRCh37 (hg19) VCF-style: chr10-73578394-C-G.
Other names: p.Glu507Gln; c.1528G>C, p.Glu510Gln (NM_001042465.3); c.1525G>C, p.Glu509Gln (NM_001042466.3); short protein forms E507Q, E510Q, E509Q.
Identifiers: ClinVar variation 2054474 (VCV002054474.24), dbSNP rs149000433, ClinGen allele CA5547324.
Genomic context (GRCh38, chr10:71,818,637, plus strand): 5'-GGCAAGACAGGCTGGTGACACTGTCTGCTGAGCTACTCACATTGCACTGGGCTGCTGTCT[C>G]TGTGTTCTGGCACCAGTAGCTTGGGCCCCATATACACTTCTCAGTTCCCAACAAGGGCTT-3'
Protein context (NP_002769.1, residues 497-517): WGPSYWCQNT[Glu507Gln]TAAQCNAVEH

ClinVar aggregate classification (germline): Conflicting classifications of pathogenicity. Review status: criteria provided, conflicting classifications (1 of 4 stars). 3 submissions from 3 submitters: Uncertain significance (2); Likely benign (1). Last evaluated 2024-03-04.

Conditions:
Sphingolipid activator protein 1 deficiency. Also called: Saposin B Deficiency; METACHROMATIC LEUKODYSTROPHY DUE TO CEREBROSIDE SULFATASE ACTIVATOR DEFICIENCY; Metachromatic leukodystrophy due to saposin B deficiency. Identifiers: Orphanet 512, MedGen C0268262, MONDO:0009590, OMIM 249900.

Allele frequency attached by ClinVar (database versions not stated): ESP Exome Variant Server 0.00008; TOPMed 0.00012; gnomAD 0.00021; ExAC 0.00026; gnomAD exomes 0.00027.
gnomAD v4.1: 419 of 1,613,826 alleles (0.026%); highest among the groups gnomAD compares: Non-Finnish European, 0.025%; no homozygotes.

Submissions (3):

Mayo Clinic Laboratories, Mayo Clinic
Classification: Uncertain significance. Last evaluated: 2024-03-04. Review status: criteria provided, single submitter. Criteria: ACMG Guidelines, 2015. Collection method: clinical testing. Allele origin: germline. Observed: 1 variant allele.
Comment: BP4, PM2_moderate

CeGaT Center for Human Genetics Tuebingen
Classification: Likely benign. Last evaluated: 2023-12-01. Review status: criteria provided, single submitter. Criteria: CeGaT Center For Human Genetics Tuebingen Variant Classification Criteria Version 2. Collection method: clinical testing. Allele origin: germline. Affected: yes. Observed: 1 variant allele.
Comment: PSAP: BP4

Labcorp Genetics (formerly Invitae), Labcorp
Classification: Uncertain significance for Sphingolipid activator protein 1 deficiency. Last evaluated: 2022-06-13. Review status: criteria provided, single submitter. Criteria: Invitae Variant Classification Sherloc (09022015). Collection method: clinical testing. Allele origin: germline.
Comment: This sequence change replaces glutamic acid, which is acidic and polar, with glutamine, which is neutral and polar, at codon 507 of the PSAP protein (p.Glu507Gln). This variant is present in population databases (rs149000433, gnomAD 0.1%). This variant has not been reported in the literature in individuals affected with PSAP-related conditions. Algorithms developed to predict the effect of missense changes on protein structure and function are either unavailable or do not agree on the potential impact of this missense change (SIFT: "Not Available"; PolyPhen-2: "Possibly Damaging"; Align-GVGD: "Not Available"). In summary, the available evidence is currently insufficient to determine the role of this variant in disease. Therefore, it has been classified as a Variant of Uncertain Significance.